The following is an entry in ClinVar:

ClinVar aggregate classification (germline): Uncertain significance (1 of 4 stars; one submission).

Conditions:
Inborn genetic diseases. Identifiers: MedGen C0950123, MeSH D030342.

gnomAD v4.1: 22 of 1,614,210 alleles (0.0014%); highest among the groups gnomAD compares: Non-Finnish European, 0.0019%; no homozygotes.

Submission:

Ambry Genetics
Classification: Uncertain significance for Inborn genetic diseases. Last evaluated: 2021-04-07. Review status: criteria provided, single submitter. Criteria: Ambry Variant Classification Scheme 2023. Collection method: clinical testing. Allele origin: germline.
Comment: The c.488C>G (p.T163R) alteration is located in exon 4 (coding exon 2) of the ADARB1 gene. This alteration results from a C to G substitution at nucleotide position 488, causing the threonine (T) at amino acid position 163 to be replaced by an arginine (R). The p.T163R alteration is predicted to be tolerated by in silico analysis. Based on insufficient or conflicting evidence, the clinical significance of this alteration remains unclear.

NM_001112.4(ADARB1):c.488C>G (p.Thr163Arg)

Gene: ADARB1 (adenosine deaminase RNA specific B1; plus strand). Cytogenetic location: 21q22.3.
Variant type: single nucleotide variant.
Coding change: c.488C>G on transcript NM_001112.4 (MANE Select); coding-DNA position 488, C replaced by G.
Protein change: p.Thr163Arg; replaces threonine 163 with arginine.
Molecular consequence: missense variant. On other transcripts: non-coding transcript variant (4).
Genome position (GRCh38, 1-based): chr21:45,176,189, C>G. VCF-style: chr21-45176189-C-G. GRCh37 (hg19) VCF-style: chr21-46596104-C-G.
Other names: c.488C>G, p.Thr163Arg (NM_001160230.2, NM_001346688.2, NM_015833.4 and 1 more transcripts); c.635C>G, p.Thr212Arg (NM_001346687.2, NM_001410722.1); short protein forms T163R, T212R.
Identifiers: ClinVar variation 2388723 (VCV002388723.2), dbSNP rs1416327833, ClinGen allele CA410488613.